The following is an entry in ClinVar:

NM_058004.4(PI4KA):c.4867T>G (p.Tyr1623Asp)

Gene: PI4KA (phosphatidylinositol 4-kinase alpha; minus strand). Cytogenetic location: 22q11.21.
Variant type: single nucleotide variant.
Coding change: c.4867T>G on transcript NM_058004.4 (MANE Select); coding-DNA position 4867, T replaced by G.
Protein change: p.Tyr1623Asp; replaces tyrosine 1623 with aspartic acid.
Molecular consequence: missense variant.
Genome position (GRCh38, 1-based): chr22:20,727,304, A>C on the plus strand (T>G on the coding strand, the complement: PI4KA is on the minus strand). VCF-style: chr22-20727304-A-C. GRCh37 (hg19) VCF-style: chr22-21081592-A-C.
Other names: PI4KA, TYR1623ASP (rs776650691); c.4774T>G, p.Tyr1592Asp (NM_001362862.2); c.4801T>G, p.Tyr1601Asp (NM_001362863.2); short protein forms Y1623D, Y1592D, Y1601D.
Identifiers: ClinVar variation 1335865 (VCV001335865.3), dbSNP rs776650691, ClinGen allele CA10114932.

ClinVar aggregate classification (germline): Likely pathogenic. Review status: criteria provided, single submitter (1 of 4 stars). 2 submissions from 2 submitters: Likely pathogenic (1). 1 of the submissions does not count toward it. Last evaluated 2024-10-07.

Conditions:
PI4KA-related disorder. Also called: PI4KA-related condition; PI4KA-related disorders. Identifiers: MedGen CN378147, MONDO:1040012.
Gastrointestinal defects and immunodeficiency syndrome 2 (GIDID2). Also called: MULTIPLE INTESTINAL ATRESIA WITH OR WITHOUT LEUKOPENIA. Identifiers: MedGen C5676901, MONDO:0030669, OMIM 619708.

Allele frequency attached by ClinVar (database versions not stated): ExAC 0.00001; gnomAD exomes 0.00001; TOPMed 0.00002.
gnomAD v4.1: 4 of 1,613,242 alleles (0.00025%); highest among the groups gnomAD compares: Non-Finnish European, 0.00034%; no homozygotes.

Submissions (2):

PreventionGenetics, part of Exact Sciences
Classification: Likely pathogenic for PI4KA-related condition. Last evaluated: 2024-10-07. Review status: criteria provided, single submitter. Criteria: ACMG Guidelines, 2015. Collection method: clinical testing. Allele origin: germline.
Comment: The PI4KA c.4867T>G variant is predicted to result in the amino acid substitution p.Tyr1623Asp. This variant has been reported in the homozygous state in multiple individuals in a large family with multiple intestinal atresia with immunodeficiency (Salter et al. 2021. PubMed ID: 34415310). This variant leads to significantly reduced PI4KIIIa-TTC7A complex formation and subsequent instability of PI4KIIIa (Salter et al. 2021. PubMed ID: 34415310). This variant is reported in 0.0018% of alleles in individuals of European (Non-Finnish) descent in gnomAD. We classify this variant as likely pathogenic.

OMIM
Classification: Pathogenic for GASTROINTESTINAL DEFECTS AND IMMUNODEFICIENCY SYNDROME 2. Last evaluated: 2025-10-29. Review status: no assertion criteria provided. Collection method: literature only. Allele origin: germline. Not counted in ClinVar's aggregate classification.

Literature cited by the submitters: PubMed 34415310 (cited by OMIM).